The following is an entry in ClinVar:

ClinVar aggregate classification (germline): Uncertain significance (1 of 4 stars; one submission).

Conditions:
Spastic paraplegia. Identifiers: MedGen C0037772, HP:0001258.

Allele frequency attached by ClinVar (database versions not stated): gnomAD exomes below 0.00001; ExAC 0.00001.

Submission:

Labcorp Genetics (formerly Invitae), Labcorp
Classification: Uncertain significance for Spastic paraplegia. Last evaluated: 2018-11-15. Review status: criteria provided, single submitter. Criteria: Invitae Variant Classification Sherloc (09022015). Collection method: clinical testing. Allele origin: germline.
Comment: In summary, the available evidence is currently insufficient to determine the role of this variant in disease. Therefore, it has been classified as a Variant of Uncertain Significance. Algorithms developed to predict the effect of missense changes on protein structure and function are either unavailable or do not agree on the potential impact of this missense change (SIFT: "Deleterious"; PolyPhen-2: "Probably Damaging"; Align-GVGD: "Class C0"). This variant has not been reported in the literature in individuals with GBA2-related disease. This variant is present in population databases (rs749351473, ExAC 0.002%). This sequence change replaces arginine with cysteine at codon 172 of the GBA2 protein (p.Arg172Cys). The arginine residue is moderately conserved and there is a large physicochemical difference between arginine and cysteine.

NM_020944.3(GBA2):c.514C>T (p.Arg172Cys)

Gene: GBA2 (glucosylceramidase beta 2; minus strand). Cytogenetic location: 9p13.3.
Variant type: single nucleotide variant.
Coding change: c.514C>T on transcript NM_020944.3 (MANE Select); coding-DNA position 514, C replaced by T.
Protein change: p.Arg172Cys; replaces arginine 172 with cysteine.
Molecular consequence: missense variant.
Genome position (GRCh38, 1-based): chr9:35,744,350, G>A on the plus strand (C>T on the coding strand, the complement: GBA2 is on the minus strand). VCF-style: chr9-35744350-G-A. GRCh37 (hg19) VCF-style: chr9-35744347-G-A.
Other names: c.514C>T, p.Arg172Cys (NM_001330660.2); short protein forms R172C.
Identifiers: ClinVar variation 647564 (VCV000647564.8), dbSNP rs749351473, ClinGen allele CA5050700.